The following is an entry in ClinVar:

ClinVar aggregate classification (germline): Uncertain significance. Review status: criteria provided, multiple submitters, no conflicts (2 of 4 stars). 3 submissions from 3 submitters: Uncertain significance (3). Last evaluated 2026-01-06.

Conditions:
Hereditary cancer-predisposing syndrome. Also called: Tumor predisposition; Hereditary Cancer Syndrome; Hereditary neoplastic syndrome; Neoplastic Syndromes, Hereditary. Identifiers: Orphanet 140162, MedGen C0027672, MeSH D009386, MONDO:0015356.

Allele frequency attached by ClinVar (database versions not stated): gnomAD 0.00001; TOPMed 0.00001.
gnomAD v4.1: 4 of 1,605,868 alleles (0.00025%); highest among the groups gnomAD compares: African/African-American, 0.004%; no homozygotes.

Submissions (3):

Ambry Genetics
Classification: Uncertain significance for Hereditary cancer-predisposing syndrome. Last evaluated: 2026-01-06. Review status: criteria provided, single submitter. Criteria: Ambry Variant Classification Scheme 2023. Collection method: clinical testing. Allele origin: germline.
Comment: The p.S203R variant (also known as c.609C>A), located in coding exon 2 of the HOXB13 gene, results from a C to A substitution at nucleotide position 609. The serine at codon 203 is replaced by arginine, an amino acid with dissimilar properties. This amino acid position is not well conserved in available vertebrate species. In addition, this alteration is predicted to be tolerated by in silico analysis. Based on the available evidence, the clinical significance of this variant remains unclear.

Labcorp Genetics (formerly Invitae), Labcorp
Classification: Uncertain significance. Last evaluated: 2024-05-14. Review status: criteria provided, single submitter. Criteria: Invitae Variant Classification Sherloc (09022015). Collection method: clinical testing. Allele origin: germline.
Comment: This sequence change replaces serine, which is neutral and polar, with arginine, which is basic and polar, at codon 203 of the HOXB13 protein (p.Ser203Arg). This variant is present in population databases (no rsID available, gnomAD 0.004%). This variant has not been reported in the literature in individuals affected with HOXB13-related conditions. ClinVar contains an entry for this variant (Variation ID: 1711997). Advanced modeling of protein sequence and biophysical properties (such as structural, functional, and spatial information, amino acid conservation, physicochemical variation, residue mobility, and thermodynamic stability) performed at Invitae indicates that this missense variant is not expected to disrupt HOXB13 protein function with a negative predictive value of 80%. In summary, the available evidence is currently insufficient to determine the role of this variant in disease. Therefore, it has been classified as a Variant of Uncertain Significance.

GeneDx
Classification: Uncertain significance. Last evaluated: 2022-04-20. Review status: criteria provided, single submitter. Criteria: GeneDx Variant Classification Process June 2021. Collection method: clinical testing. Allele origin: germline. Affected: yes.
Comment: Not observed at significant frequency in large population cohorts (gnomAD); In silico analysis supports that this missense variant does not alter protein structure/function; Has not been previously published as pathogenic or benign to our knowledge

NM_006361.6(HOXB13):c.609C>A (p.Ser203Arg)

Gene: HOXB13 (homeobox B13; minus strand). Cytogenetic location: 17q21.32.
Variant type: single nucleotide variant.
Coding change: c.609C>A on transcript NM_006361.6 (MANE Select); coding-DNA position 609, C replaced by A.
Protein change: p.Ser203Arg; replaces serine 203 with arginine.
Molecular consequence: missense variant.
Genome position (GRCh38, 1-based): chr17:48,727,036, G>T on the plus strand (C>A on the coding strand, the complement: HOXB13 is on the minus strand). VCF-style: chr17-48727036-G-T. GRCh37 (hg19) VCF-style: chr17-46804398-G-T.
Other names: short protein forms S203R.
Identifiers: ClinVar variation 1711997 (VCV001711997.6), dbSNP rs1343659361, ClinGen allele CA400107062.